The following is an entry in ClinVar:

NM_004369.4(COL6A3):c.8965+203A>G

Gene: COL6A3 (collagen type VI alpha 3 chain; minus strand). Cytogenetic location: 2q37.3.
Variant type: single nucleotide variant.
Coding change: c.8965+203A>G on transcript NM_004369.4 (MANE Select); 203 bases into the intron after coding-DNA position 8965, A replaced by G.
Molecular consequence: intron variant.
Genome position (GRCh38, 1-based): chr2:237,335,932, T>C on the plus strand (A>G on the coding strand, the complement: COL6A3 is on the minus strand). VCF-style: chr2-237335932-T-C. GRCh37 (hg19) VCF-style: chr2-238244575-T-C.
Other names: c.7144+203A>G (NM_057166.5); c.8347+203A>G (NM_057167.4).
Identifiers: ClinVar variation 679240 (VCV000679240.2), dbSNP rs4233631, ClinGen allele CA67830190.

ClinVar aggregate classification (germline): Benign. Review status: criteria provided, multiple submitters, no conflicts (2 of 4 stars). 2 submissions from 2 submitters: Benign (2). Last evaluated 2018-06-14.

Allele frequency attached by ClinVar (database versions not stated): 1000 Genomes Project 0.63758; 1000 Genomes Project 30x 0.64210; TOPMed 0.67530; gnomAD 0.67773 and 0.68567.
gnomAD v4.1: 103,166 of 152,056 alleles (68%); highest among the groups gnomAD compares: African/African-American, 78%; 35,500 homozygotes.

Submissions (2):

GeneDx
Classification: Benign. Last evaluated: 2018-06-14. Review status: criteria provided, single submitter. Criteria: GeneDx Variant Classification (06012015). Collection method: clinical testing. Allele origin: germline. Affected: yes.
Comment: This variant is considered likely benign or benign based on one or more of the following criteria: it is a conservative change, it occurs at a poorly conserved position in the protein, it is predicted to be benign by multiple in silico algorithms, and/or has population frequency not consistent with disease.

Breakthrough Genomics
Classification: Benign. Review status: criteria provided, single submitter. Criteria: ACMG Guidelines, 2015. Collection method: not provided. Allele origin: germline. Inheritance: Autosomal recessive inheritance. Affected: yes.